The following is an entry in ClinVar:

ClinVar aggregate classification (germline): Uncertain significance (1 of 4 stars; one submission).

Conditions:
Leukodystrophy, hypomyelinating, 7, with or without oligodontia and/or hypogonadotropic hypogonadism (HLD7). Also called: LEUKOENCEPHALOPATHY, HYPOMYELINATING, WITH ATAXIA AND DELAYED DENTITION; ATAXIA, DELAYED DENTITION, AND HYPOMYELINATION; LEUKODYSTROPHY, HYPOMYELINATING, 7, WITH OLIGODONTIA; LEUKODYSTROPHY, HYPOMYELINATING, 7, WITH OLIGODONTIA AND HYPOGONADOTROPIC HYPOGONADISM; LEUKODYSTROPHY, HYPOMYELINATING, 7, WITHOUT OLIGODONTIA OR HYPOGONADOTROPIC HYPOGONADISM; Ataxia, Delayed Dentition and Hypomyelination (ADDH). Identifiers: Orphanet 137639, Orphanet 447893, Orphanet 447896, Orphanet 77295, Orphanet 88637, MedGen CN034185, MONDO:0011897, OMIM 607694.

gnomAD v4.1: 1 of 1,614,180 alleles (0.000062%); no homozygotes.

Submission:

Neuberg Centre For Genomic Medicine, NCGM
Classification: Uncertain significance for Leukodystrophy, hypomyelinating, 7, with or without oligodontia and/or hypogonadotropic hypogonadism. Last evaluated: 2024-02-01. Review status: criteria provided, single submitter. Criteria: ACMG Guidelines, 2015. Collection method: clinical testing. Allele origin: germline. Inheritance: Autosomal recessive inheritance. Affected: yes.
Comment: The observed missense variant c.1820C>T(p.Pro607Leu) in POLR3A gene has not been reported previously as a pathogenic variant nor as a benign variant, to our knowledge. This variant is absent in gnomAD Exomes. Multiple lines of computational evidence (Polyphen-possibly damaging, SIFT-damaging and MutationTaster-disease causing) predict a damaging effect on protein structure and function for this variant. The amino acid Pro at position 607 is changed to a Leu changing protein sequence and it might alter its composition and physico-chemical properties. The reference amino acid p.Pro607Leu in POLR3A is predicted as conserved by GERP++ and PhyloP across 100 vertebrates. For these reasons, this variant has been classified as Uncertain Significance.

NM_007055.4(POLR3A):c.1820C>T (p.Pro607Leu)

Gene: POLR3A (RNA polymerase III subunit A; minus strand). Cytogenetic location: 10q22.3.
Variant type: single nucleotide variant.
Coding change: c.1820C>T on transcript NM_007055.4 (MANE Select); coding-DNA position 1820, C replaced by T.
Protein change: p.Pro607Leu; replaces proline 607 with leucine.
Molecular consequence: missense variant.
Genome position (GRCh38, 1-based): chr10:78,009,626, G>A on the plus strand (C>T on the coding strand, the complement: POLR3A is on the minus strand). VCF-style: chr10-78009626-G-A. GRCh37 (hg19) VCF-style: chr10-79769384-G-A.
Other names: short protein forms P607L.
Identifiers: ClinVar variation 3895497 (VCV003895497.1).
Genomic context (GRCh38, chr10:78,009,626, plus strand): 5'-TTGCCACAGTACTGCTTGCCCTTGGTTCGCAGGTTGGCCCTCACTGGATTGTCATCGCTA[G>A]GCCTGAGGATGACACTGAAGATCTGCTTTCCCGTCCACAGGGTGACAGGCTGAGGGGGGG-3'
Protein context (NP_008986.2, residues 597-617): GKQIFSVILR[Pro607Leu]SDDNPVRANL